The following is an entry in ClinVar:

ClinVar aggregate classification (germline): Likely benign (0 of 4 stars; one submission).

Conditions:
PLXNA4-related disorder. Also called: PLXNA4-related condition.

Allele frequency attached by ClinVar (database versions not stated): ExAC 0.00001; gnomAD 0.00003; gnomAD exomes 0.00003; TOPMed 0.00003.
gnomAD v4.1: 50 of 1,613,970 alleles (0.0031%); highest among the groups gnomAD compares: Non-Finnish European, 0.0038%; no homozygotes.

Submission:

PreventionGenetics, part of Exact Sciences
Classification: Likely benign for PLXNA4-related condition. Last evaluated: 2021-06-16. Review status: no assertion criteria provided. Collection method: clinical testing. Allele origin: germline.
Comment: This variant is classified as likely benign based on ACMG/AMP sequence variant interpretation guidelines (Richards et al. 2015 PMID: 25741868, with internal and published modifications).

NM_020911.2(PLXNA4):c.339T>C (p.Asn113=)

Gene: PLXNA4 (plexin A4; minus strand). Cytogenetic location: 7q32.3.
Variant type: single nucleotide variant.
Coding change: c.339T>C on transcript NM_020911.2 (MANE Select); coding-DNA position 339, T replaced by C.
Protein change: p.Asn113=; no amino-acid change (asparagine 113 retained).
Molecular consequence: synonymous variant.
Genome position (GRCh38, 1-based): chr7:132,508,355, A>G on the plus strand (T>C on the coding strand, the complement: PLXNA4 is on the minus strand). VCF-style: chr7-132508355-A-G. GRCh37 (hg19) VCF-style: chr7-132193114-A-G.
Other names: c.339T>C, p.Asn113= (NM_001105543.2, NM_001393897.1, NM_181775.4).
Identifiers: ClinVar variation 3035986 (VCV003035986.2), dbSNP rs776109894, ClinGen allele CA4490506.
Genomic context (GRCh38, chr7:132,508,355, plus strand): 5'-CAGGCTCCCACAGGCAATCAGCCTGTTCTCCTTGTAGTCTATGAGGAGCATCTTGTTGAC[A>G]TTGTTGGTGGTGGTCAGGGGCTCATTGCAGGTCTGGACGATGCGGGGTGGGTAACACTTG-3'
Protein context (NP_065962.1, residues 103-123): TCNEPLTTTN[Asn113=]VNKMLLIDYK